The following is an entry in ClinVar:

ClinVar aggregate classification (germline): Conflicting classifications of pathogenicity. Review status: criteria provided, conflicting classifications (1 of 4 stars). 2 submissions from 2 submitters: Uncertain significance (1); Likely benign (1). Last evaluated 2024-03-27.

Conditions:
Pierpont syndrome (PRPTS). Identifiers: Orphanet 487825, MedGen C1865644, MONDO:0011213, OMIM 602342.

Submissions (2):

Labcorp Genetics (formerly Invitae), Labcorp
Classification: Uncertain significance for Pierpont syndrome. Last evaluated: 2024-03-27. Review status: criteria provided, single submitter. Criteria: Invitae Variant Classification Sherloc (09022015). Collection method: clinical testing. Allele origin: germline.
Comment: This variant, c.345_353dup, results in the insertion of 3 amino acid(s) of the TBL1XR1 protein (p.Ala116_Ala118dup), but otherwise preserves the integrity of the reading frame. This variant is not present in population databases (gnomAD no frequency). This variant has not been reported in the literature in individuals affected with TBL1XR1-related conditions. In summary, the available evidence is currently insufficient to determine the role of this variant in disease. Therefore, it has been classified as a Variant of Uncertain Significance.

Blueprint Genetics
Classification: Likely benign. Last evaluated: 2023-07-31. Review status: criteria provided, single submitter. Criteria: ACMG Guidelines, 2015. Collection method: clinical testing. Allele origin: germline.

NM_024665.7(TBL1XR1):c.345_353dup (p.Ala118_Ser119insAlaAlaAla)

Gene: TBL1XR1 (TBL1X/Y related 1; minus strand). Cytogenetic location: 3q26.32.
Variant type: Duplication.
Coding change: c.345_353dup on transcript NM_024665.7 (MANE Select); coding-DNA positions 345 to 353, 9 bases duplicated (AGCTGCAGC; older notation c.345_353dupAGCTGCAGC).
Protein change: p.Ala118_Ser119insAlaAlaAla.
Genome position (GRCh38, 1-based): chr3:177,051,578-177,051,586, GCTGCAGCT duplicated on the plus strand (AGCTGCAGC on the coding strand, the reverse complement: TBL1XR1 is on the minus strand); duplicating any 9 consecutive bases within chr3:177,051,578-177,051,588 gives the same sequence; the c. name uses the placement nearest the transcript's 3' end. VCF-style (leftmost placement, unchanged base first): chr3-177051577-G-GGCTGCAGCT. GRCh37 (hg19) VCF-style: chr3-176769365-G-GGCTGCAGCT.
Other names: c.345_353dup, p.Ala118_Ser119insAlaAlaAla (NM_001321193.3, NM_001321194.3, NM_001374327.1 and 2 more transcripts); c.84_92dup, p.Ala31_Ser32insAlaAlaAla (NM_001321195.3, NM_001374330.1).
Identifiers: ClinVar variation 3686438 (VCV003686438.3).